The following is an entry in ClinVar:

NM_006767.4(LZTR1):c.320+2T>A

Gene: LZTR1 (leucine zipper like post translational regulator 1; plus strand). Cytogenetic location: 22q11.21.
Variant type: single nucleotide variant.
Coding change: c.320+2T>A on transcript NM_006767.4 (MANE Select); the canonical splice donor site of the intron after coding-DNA position 320, T replaced by A.
Molecular consequence: splice donor variant.
Genome position (GRCh38, 1-based): chr22:20,985,899, T>A. VCF-style: chr22-20985899-T-A. GRCh37 (hg19) VCF-style: chr22-21340188-T-A.
Identifiers: ClinVar variation 2867297 (VCV002867297.3), dbSNP rs1924364964, ClinGen allele CA410778917.
Genomic context (GRCh38, chr22:20,985,899, plus strand): 5'-AGGAAGACCATGCTCAATGACCTCCTGCGGTTCGATGTGAAAGACTGCTCCTGGTGCAGG[T>A]GGGTGGCCCCGTGCTCCAGGGCCCTGCCTTTCCTCCTAGAACACAGTGGCACAGTGCTGG-3'

ClinVar aggregate classification (germline): Likely pathogenic (1 of 4 stars; one submission).

Submission:

Labcorp Genetics (formerly Invitae), Labcorp
Classification: Likely pathogenic. Last evaluated: 2023-05-23. Review status: criteria provided, single submitter. Criteria: Invitae Variant Classification Sherloc (09022015). Collection method: clinical testing. Allele origin: germline.
Comment: This sequence change affects a donor splice site in intron 3 of the LZTR1 gene. It is expected to disrupt RNA splicing. Variants that disrupt the donor or acceptor splice site typically lead to a loss of protein function (PMID: 16199547), and loss-of-function variants in LZTR1 are known to be pathogenic (PMID: 24362817, 25335493, 25480913, 25795793, 29469822, 30368668, 30442762, 30442766, 30481304, 30859559). In summary, the currently available evidence indicates that the variant is pathogenic, but additional data are needed to prove that conclusively. Therefore, this variant has been classified as Likely Pathogenic. Algorithms developed to predict the effect of sequence changes on RNA splicing suggest that this variant may disrupt the consensus splice site. Disruption of this splice site has been observed in individual(s) with schwannomatosis (PMID: 28365909). This variant is not present in population databases (gnomAD no frequency).

Literature cited by the submitters: PubMed 16199547; PubMed 24362817; PubMed 25335493; PubMed 25480913; PubMed 25795793; PubMed 29469822; PubMed 30368668; PubMed 30442762; PubMed 30442766; PubMed 30481304; PubMed 30859559; PubMed 28365909.